The following is an entry in ClinVar:

NM_001267550.2(TTN):c.67189G>A (p.Glu22397Lys)

Genes: TTN (titin; minus strand), TTN-AS1 (TTN antisense RNA 1; plus strand). Cytogenetic location: 2q31.2.
Variant type: single nucleotide variant.
Coding change: c.67189G>A on transcript NM_001267550.2 (MANE Select); coding-DNA position 67189, G replaced by A.
Protein change: p.Glu22397Lys; replaces glutamic acid 22397 with lysine.
Molecular consequence: missense variant.
Genome position (GRCh38, 1-based): chr2:178,580,098, C>T on the plus strand (G>A on the coding strand, the complement: TTN is on the minus strand). VCF-style: chr2-178580098-C-T. GRCh37 (hg19) VCF-style: chr2-179444825-C-T.
Other names: c.62266G>A, p.Glu20756Lys (NM_001256850.1); c.39994G>A, p.Glu13332Lys (NM_003319.4); c.59485G>A, p.Glu19829Lys (NM_133378.4); c.40369G>A, p.Glu13457Lys (NM_133432.3); c.40570G>A, p.Glu13524Lys (NM_133437.4); short protein forms E13332K, E13457K, E13524K, E19829K, E20756K, E22397K.
Identifiers: ClinVar variation 2437849 (VCV002437849.5), dbSNP rs1163846592, ClinGen allele CA349424294.

ClinVar aggregate classification (germline): Uncertain significance. Review status: criteria provided, multiple submitters, no conflicts (2 of 4 stars). 3 submissions from 3 submitters: Uncertain significance (3). Last evaluated 2024-01-08.

Allele frequency attached by ClinVar (database versions not stated): gnomAD 0.00001; gnomAD exomes 0.00001; TOPMed 0.00001.
gnomAD v4.1: 11 of 1,613,266 alleles (0.00068%); highest among the groups gnomAD compares: Non-Finnish European, 0.00093%; no homozygotes.

Submissions (3):

Women's Health and Genetics/Laboratory Corporation of America, LabCorp
Classification: Uncertain significance. Last evaluated: 2024-01-08. Review status: criteria provided, single submitter. Criteria: LabCorp Variant Classification Summary - May 2015. Collection method: clinical testing. Allele origin: germline.

Athena Diagnostics
Classification: Uncertain significance. Last evaluated: 2023-11-09. Review status: criteria provided, single submitter. Criteria: Athena Diagnostics Criteria. Collection method: clinical testing. Allele origin: unknown.
Comment: Available data are insufficient to determine the clinical significance of the variant at this time. The frequency of this variant in the general population is uninformative in assessment of its pathogenicity. Computational tools disagree on the variant's effect on normal protein function.

Revvity Omics, Revvity
Classification: Uncertain significance. Last evaluated: 2019-12-24. Review status: criteria provided, single submitter. Criteria: ACMG Guidelines, 2015. Collection method: clinical testing. Allele origin: germline.